The following is an entry in ClinVar:

ClinVar aggregate classification (germline): Conflicting classifications of pathogenicity. Review status: criteria provided, conflicting classifications (1 of 4 stars). 3 submissions from 3 submitters: Likely pathogenic (1); Uncertain significance (2). Last evaluated 2024-10-09.

Conditions:
Kartagener syndrome (CILD1). Also called: CILIARY DYSKINESIA, PRIMARY, 1; CILIARY DYSKINESIA, PRIMARY, 1, WITH OR WITHOUT SITUS INVERSUS; Dextrocardia bronchiectasis and sinusitis; SIEWERT SYNDROME; IMMOTILE CILIA SYNDROME; POLYNESIAN BRONCHIECTASIS. Identifiers: Orphanet 244, MedGen C4551906, MONDO:0009484, OMIM 244400.
Primary ciliary dyskinesia. Also called: Ciliary dyskinesia. Identifiers: Orphanet 244, MedGen C0008780, MONDO:0016575, HP:0012265.

Allele frequency attached by ClinVar (database versions not stated): ExAC 0.00002.
gnomAD v4.1: 14 of 1,613,500 alleles (0.00087%); highest among the groups gnomAD compares: South Asian, 0.015%; no homozygotes.

Submissions (3):

Victorian Clinical Genetics Services, Murdoch Childrens Research Institute
Classification: Uncertain significance for Kartagener syndrome. Last evaluated: 2024-10-09. Review status: criteria provided, single submitter. Criteria: ACMG Guidelines, 2015. Collection method: clinical testing. Allele origin: germline. Inheritance: Autosomal recessive inheritance. Affected: yes.
Comment: Based on the classification scheme VCGS_Germline_v1.3.4, this variant is classified as VUS-3A. Following criteria are met: 0102 - Loss of function is a known mechanism of disease in this gene and is associated with ciliary dyskinesia, primary, 1, with or without situs inversus (MIM#244400). (I) 0106 - This gene is associated with autosomal recessive disease. (I) 0200 - Variant is predicted to result in a missense amino acid change from alanine to glutamic acid. (I) 0252 - This variant is homozygous. (I) 0304 - Variant is present in gnomAD <0.01 for a recessive condition (v4: 14 heterozygotes, 0 homozygotes). (SP) 0309 - Multiple alternative amino acid changes at the same position has been observed in gnomAD (v4) (highest allele count: 3 heterozygotes, 0 homozygotes). (I) 0501 - Missense variant consistently predicted to be damaging by multiple in silico tools or highly conserved with a major amino acid change. (SP) 0604 - Variant is not located in an established domain, motif, hotspot or informative constraint region. (I) 0705 - No comparable missense variants have previous evidence for pathogenicity. (I) 0803 - This variant has limited previous evidence of pathogenicity in unrelated individuals. It has been reported homozygous in two siblings affected with primary ciliary dyskinesia (PMID: 33678284). In addition, it has been reported once as a variant of uncertain significance by a clinical laboratory (ClinVar). (SP) 1007 - No published functional evidence has been identified for this variant. (I) 1208 - Inheritance information for this variant is not currently available in this individual. (I) Legend: (SP) - Supporting pathogenic, (I) - Information, (SB) - Supporting benign

Labcorp Genetics (formerly Invitae), Labcorp
Classification: Uncertain significance for Primary ciliary dyskinesia. Last evaluated: 2021-12-27. Review status: criteria provided, single submitter. Criteria: Invitae Variant Classification Sherloc (09022015). Collection method: clinical testing. Allele origin: germline.
Comment: This sequence change replaces alanine, which is neutral and non-polar, with glutamic acid, which is acidic and polar, at codon 349 of the DNAI1 protein (p.Ala349Glu). This variant is present in population databases (rs745862355, gnomAD 0.01%). This variant has not been reported in the literature in individuals affected with DNAI1-related conditions. Algorithms developed to predict the effect of missense changes on protein structure and function are either unavailable or do not agree on the potential impact of this missense change (SIFT: "Tolerated"; PolyPhen-2: "Possibly Damaging"; Align-GVGD: "Class C0"). In summary, the available evidence is currently insufficient to determine the role of this variant in disease. Therefore, it has been classified as a Variant of Uncertain Significance.

Institute for Medical Genetics and Human Genetics, Charité - Universitätsmedizin Berlin
Classification: Likely pathogenic for Kartagener syndrome. Review status: criteria provided, single submitter. Criteria: ACMG Guidelines, 2015. Collection method: not provided. Allele origin: germline. Inheritance: Autosomal recessive inheritance. Affected: yes.

Literature cited by the submitters: PubMed 33678284 (cited by Victorian Clinical Genetics Services, Murdoch Childrens Research Institute).

NM_012144.4(DNAI1):c.1046C>A (p.Ala349Glu)

Gene: DNAI1 (dynein axonemal intermediate chain 1; plus strand). Cytogenetic location: 9p13.3.
Variant type: single nucleotide variant.
Coding change: c.1046C>A on transcript NM_012144.4 (MANE Select); coding-DNA position 1046, C replaced by A.
Protein change: p.Ala349Glu; replaces alanine 349 with glutamic acid.
Molecular consequence: missense variant.
Genome position (GRCh38, 1-based): chr9:34,501,164, C>A. VCF-style: chr9-34501164-C-A. GRCh37 (hg19) VCF-style: chr9-34501162-C-A.
Other names: c.1058C>A, p.Ala353Glu (NM_001281428.2); c.1046C>A (NM_012144.3); short protein forms A353E, A349E.
Identifiers: ClinVar variation 2156421 (VCV002156421.4), dbSNP rs745862355, ClinGen allele CA5034273.
Genomic context (GRCh38, chr9:34,501,164, plus strand): 5'-TCCTATGCCAATGGATTCATATTTTTTTTTGCAGGAATCCAAAGTACAGGGATCTGTTTG[C>A]AGTGGGATATGGCTCTTGTAAGTGATCTGACTATTCATTTATTTGCTCATGTAAACAGCA-3'
Protein context (NP_036276.1, residues 339-359): CWNPKYRDLF[Ala349Glu]VGYGSYDFMK